The following is an entry in ClinVar:

NM_001270508.2(TNFAIP3):c.553G>A (p.Gly185Arg)

Genes: TNFAIP3 (TNF alpha induced protein 3; plus strand), LOC126859807 (MED14-independent group 3 enhancer GRCh37_chr6:138196296-138197495; plus strand). Cytogenetic location: 6q23.3.
Variant type: single nucleotide variant.
Coding change: c.553G>A on transcript NM_001270508.2 (MANE Select); coding-DNA position 553, G replaced by A.
Protein change: p.Gly185Arg; replaces glycine 185 with arginine.
Molecular consequence: missense variant.
Genome position (GRCh38, 1-based): chr6:137,875,754, G>A. VCF-style: chr6-137875754-G-A. GRCh37 (hg19) VCF-style: chr6-138196891-G-A.
Other names: c.553G>A, p.Gly185Arg (NM_001270507.2, NM_006290.4); short protein forms G185R.
Identifiers: ClinVar variation 4811876 (VCV004811876.1).
Genomic context (GRCh38, chr6:137,875,754, plus strand): 5'-AATGATGAATGGGACAATCTTATCAAAATGGCTTCCACAGACACACCCATGGCCCGAAGT[G>A]GACTTCAGTACAACTCACTGGAAGAAATACACATATTTGTCCTTTGCAACATCCTCAGAA-3'
Protein context (NP_001257437.1, residues 175-195): ASTDTPMARS[Gly185Arg]LQYNSLEEIH

ClinVar aggregate classification (germline): Uncertain significance (1 of 4 stars; one submission).

Submission:

Labcorp Genetics (formerly Invitae), Labcorp
Classification: Uncertain significance. Last evaluated: 2025-11-15. Review status: criteria provided, single submitter. Criteria: Invitae Variant Classification Sherloc (09022015). Collection method: clinical testing. Allele origin: germline.
Comment: This sequence change replaces glycine, which is neutral and non-polar, with arginine, which is basic and polar, at codon 185 of the TNFAIP3 protein (p.Gly185Arg). This variant is not present in population databases (gnomAD no frequency). This variant has not been reported in the literature in individuals affected with TNFAIP3-related conditions. Invitae Evidence Modeling of protein sequence and biophysical properties (such as structural, functional, and spatial information, amino acid conservation, physicochemical variation, residue mobility, and thermodynamic stability) indicates that this missense variant is not expected to disrupt TNFAIP3 protein function with a negative predictive value of 80%. In summary, the available evidence is currently insufficient to determine the role of this variant in disease. Therefore, it has been classified as a Variant of Uncertain Significance.